The following is an entry in ClinVar:

ClinVar aggregate classification (germline): Likely benign. Review status: criteria provided, multiple submitters, no conflicts (2 of 4 stars). 2 submissions from 2 submitters: Likely benign (2). Last evaluated 2025-02-26.

Conditions:
Multiple endocrine neoplasia, type 2 (MEN2). Identifiers: Orphanet 653, MedGen C4048306, MONDO:0019003. Disease mechanism: gain of function.
Multiple endocrine neoplasia type 2A. Also called: Multiple Endocrine Neoplasia Type 2A (MEN2A); MULTIPLE ENDOCRINE NEOPLASIA, TYPE IIA; PTC SYNDROME; SIPPLE SYNDROME; MEN 2A; MEN-2A syndrome. Identifiers: Orphanet 247698, Orphanet 653, MedGen C0025268, MeSH D018813, MONDO:0008234, OMIM 171400.

Allele frequency attached by ClinVar (database versions not stated): gnomAD exomes 0.00001; ExAC 0.00005.

Submissions (2):

Myriad Genetics, Inc.
Classification: Likely benign for Multiple endocrine neoplasia type 2A. Last evaluated: 2025-02-26. Review status: criteria provided, single submitter. Criteria: Myriad Autosomal Dominant, Autosomal Recessive and X-Linked Classification Criteria (2023). Collection method: clinical testing. Allele origin: unknown.
Comment: This variant is considered likely benign. This variant is intronic and is not expected to impact mRNA splicing.

Labcorp Genetics (formerly Invitae), Labcorp
Classification: Likely benign for Multiple endocrine neoplasia, type 2. Last evaluated: 2024-09-09. Review status: criteria provided, single submitter. Criteria: Invitae Variant Classification Sherloc (09022015). Collection method: clinical testing. Allele origin: germline.

NM_020975.6(RET):c.2393-7C>T

Gene: RET (ret proto-oncogene; plus strand). Cytogenetic location: 10q11.21.
Variant type: single nucleotide variant.
Coding change: c.2393-7C>T on transcript NM_020975.6 (MANE Select); 7 bases into the intron before coding-DNA position 2393, C replaced by T.
Molecular consequence: intron variant.
Genome position (GRCh38, 1-based): chr10:43,119,524, C>T. VCF-style: chr10-43119524-C-T. GRCh37 (hg19) VCF-style: chr10-43614972-C-T.
Other names: c.2393-7C>T (NM_020630.7, NM_001406743.1, NM_001406744.1 and 2 more transcripts); c.2258-7C>T (NM_001406765.1, NM_001406763.1); c.1997-7C>T (NM_001406772.1, NM_001406769.1); c.1955-7C>T (NM_001406773.1, NM_001406771.1); c.1496-7C>T (NM_001406782.1, NM_001406780.1, NM_001406779.1 and 1 more transcripts); c.1361-7C>T (NM_001406787.1); c.1376-7C>T (NM_001406785.1); c.2264-7C>T (NM_001406764.1, NM_001406762.1, NM_001406761.1); and 10 more.
Identifiers: ClinVar variation 1622127 (VCV001622127.10), dbSNP rs746844157, ClinGen allele CA039010.